The following is an entry in ClinVar:

ClinVar aggregate classification (germline): Benign/Likely benign. Review status: criteria provided, multiple submitters, no conflicts (2 of 4 stars). 8 submissions from 8 submitters: Benign (5); Likely benign (3). Last evaluated 2026-02-02.

Conditions:
Schinzel-Giedion syndrome (SGS). Identifiers: Orphanet 798, MedGen C0265227, MONDO:0010010, OMIM 269150.
Intellectual developmental disorder, autosomal dominant 29. Also called: Intellectual disability, autosomal dominant 29; SETBP1 Haploinsufficiency Disorder. Identifiers: Orphanet 436151, MedGen C4015141, MONDO:0014482, OMIM 616078.

Allele frequency attached by ClinVar (database versions not stated): ESP Exome Variant Server 0.00654; gnomAD 0.00693 and 0.00817; gnomAD exomes 0.00830 and 0.01149; TOPMed 0.00910; 1000 Genomes Project 30x 0.01686; 1000 Genomes Project 0.01737; ExAC 0.01759.
gnomAD v4.1: 13,512 of 1,604,890 alleles (0.84%); highest among the groups gnomAD compares: South Asian, 4%; 183 homozygotes.

Submissions (8):

Labcorp Genetics (formerly Invitae), Labcorp
Classification: Benign. Last evaluated: 2026-02-02. Review status: criteria provided, single submitter. Criteria: Invitae Variant Classification Sherloc (09022015). Collection method: clinical testing. Allele origin: germline.

Athena Diagnostics
Classification: Benign. Last evaluated: 2024-06-12. Review status: criteria provided, single submitter. Criteria: Athena Diagnostics Criteria. Collection method: clinical testing. Allele origin: unknown.

KCCC/NGS Laboratory, Kuwait Cancer Control Center
Classification: Likely benign for Schinzel-Giedion syndrome. Last evaluated: 2023-07-07. Review status: criteria provided, single submitter. Criteria: ACMG Guidelines, 2015. Collection method: clinical testing. Allele origin: germline. Affected: yes.

Fulgent Genetics
Classification: Benign for Schinzel-Giedion syndrome; Intellectual developmental disorder, autosomal dominant 29. Last evaluated: 2022-03-29. Review status: criteria provided, single submitter. Criteria: ACMG Guidelines, 2015. Collection method: clinical testing. Allele origin: unknown.

GeneDx
Classification: Benign. Last evaluated: 2020-10-26. Review status: criteria provided, single submitter. Criteria: GeneDx Variant Classification Process June 2021. Collection method: clinical testing. Allele origin: germline. Affected: yes.
Comment: This variant is associated with the following publications: (PMID: 27611742)

Mayo Clinic Laboratories, Mayo Clinic
Classification: Benign. Last evaluated: 2018-12-13. Review status: criteria provided, single submitter. Criteria: ACMG Guidelines, 2015. Collection method: clinical testing. Allele origin: germline. Observed: 15 variant alleles.

Genetic Services Laboratory, University of Chicago
Classification: Likely benign for Schinzel-Giedion midface retraction syndrome. Last evaluated: 2013-02-08. Review status: criteria provided, single submitter. Criteria: ACMG Guidelines, 2007. Collection method: clinical testing. Allele origin: germline. Inheritance: Autosomal dominant inheritance.

Breakthrough Genomics
Classification: Likely benign. Review status: criteria provided, single submitter. Criteria: ACMG Guidelines, 2015. Collection method: not provided. Allele origin: germline. Inheritance: Autosomal dominant inheritance. Affected: yes.

Literature cited by the submitters: PubMed 21037274 (cited by Athena Diagnostics); PubMed 27611742 (cited by Athena Diagnostics); PubMed 30942411 (cited by Athena Diagnostics).

NM_015559.3(SETBP1):c.4398G>T (p.Glu1466Asp)

Gene: SETBP1 (SET binding protein 1; plus strand). Cytogenetic location: 18q12.3.
Variant type: single nucleotide variant.
Coding change: c.4398G>T on transcript NM_015559.3 (MANE Select); coding-DNA position 4398, G replaced by T.
Protein change: p.Glu1466Asp; replaces glutamic acid 1466 with aspartic acid.
Molecular consequence: missense variant.
Genome position (GRCh38, 1-based): chr18:45,063,305, G>T. VCF-style: chr18-45063305-G-T. GRCh37 (hg19) VCF-style: chr18-42643270-G-T.
Other names: p.Glu1466Asp; c.4398G>T, p.Glu1466Asp (LRG_1150t1); short protein forms E1466D.
Identifiers: ClinVar variation 159880 (VCV000159880.21), dbSNP rs117498128, ClinGen allele CA173405.